The following is an entry in ClinVar:

ClinVar aggregate classification (germline): Uncertain significance (1 of 4 stars; one submission).

Conditions:
Hypertrophic cardiomyopathy 1 (CMH1). Also called: MYH7-Related Familial Hypertrophic Cardiomyopathy; Familial hypertrophic cardiomyopathy 1. Identifiers: MedGen C3495498, MONDO:0008647, OMIM 192600.

Submission:

Labcorp Genetics (formerly Invitae), Labcorp
Classification: Uncertain significance for Hypertrophic cardiomyopathy 1. Last evaluated: 2025-12-23. Review status: criteria provided, single submitter. Criteria: Invitae Variant Classification Sherloc (09022015). Collection method: clinical testing. Allele origin: germline.
Comment: This sequence change replaces arginine, which is basic and polar, with glutamine, which is neutral and polar, at codon 528 of the MYLK2 protein (p.Arg528Gln). The frequency data for this variant in the population databases is considered unreliable, as metrics indicate poor data quality at this position in the gnomAD database. This variant has not been reported in the literature in individuals affected with MYLK2-related conditions. Invitae Evidence Modeling of protein sequence and biophysical properties (such as structural, functional, and spatial information, amino acid conservation, physicochemical variation, residue mobility, and thermodynamic stability) indicates that this missense variant is expected to disrupt MYLK2 protein function with a positive predictive value of 80%. In summary, the available evidence is currently insufficient to determine the role of this variant in disease. Therefore, it has been classified as a Variant of Uncertain Significance.

NM_033118.4(MYLK2):c.1583G>A (p.Arg528Gln)

Gene: MYLK2 (myosin light chain kinase 2; plus strand). Cytogenetic location: 20q11.21.
Variant type: single nucleotide variant.
Coding change: c.1583G>A on transcript NM_033118.4 (MANE Select); coding-DNA position 1583, G replaced by A.
Protein change: p.Arg528Gln; replaces arginine 528 with glutamine.
Molecular consequence: missense variant.
Genome position (GRCh38, 1-based): chr20:31,832,009, G>A. VCF-style: chr20-31832009-G-A. GRCh37 (hg19) VCF-style: chr20-30419812-G-A.
Other names: short protein forms R528Q.
Identifiers: ClinVar variation 4742114 (VCV004742114.1).